The following is an entry in ClinVar:

ClinVar aggregate classification (germline): Uncertain significance. Review status: criteria provided, multiple submitters, no conflicts (2 of 4 stars). 2 submissions from 2 submitters: Uncertain significance (2). Last evaluated 2026-06-15.

Conditions:
Inborn genetic diseases. Identifiers: MedGen C0950123, MeSH D030342.
PKD1-related disorder. Also called: PKD1-related condition.

gnomAD v4.1: 38 of 1,612,662 alleles (0.0024%); highest among the groups gnomAD compares: South Asian, 0.014%; 1 homozygote.

Submissions (2):

PreventionGenetics, part of Exact Sciences
Classification: Uncertain significance for PKD1-related condition. Last evaluated: 2026-06-15. Review status: criteria provided, single submitter. Criteria: ACMG Guidelines, 2015. Collection method: clinical testing. Allele origin: germline.
Comment: The PKD1 c.12065C>T variant is predicted to result in the amino acid substitution p.Ala4022Val. To our knowledge, this variant has not been reported in the literature. This variant is reported in 0.029% of alleles in individuals of South Asian descent in gnomAD, which may be too frequent to be a primary cause of disease. Although we suspect that this variant may be benign, at this time, the clinical significance of this variant is uncertain due to the absence of conclusive functional and genetic evidence.

Ambry Genetics
Classification: Uncertain significance for Inborn genetic diseases. Last evaluated: 2025-01-19. Review status: criteria provided, single submitter. Criteria: Ambry Variant Classification Scheme 2023. Collection method: clinical testing. Allele origin: germline.

NM_001009944.3(PKD1):c.12065C>T (p.Ala4022Val)

Gene: PKD1 (polycystin 1, transient receptor potential channel interacting; minus strand). Cytogenetic location: 16p13.3.
Variant type: single nucleotide variant.
Coding change: c.12065C>T on transcript NM_001009944.3 (MANE Select); coding-DNA position 12065, C replaced by T.
Protein change: p.Ala4022Val; replaces alanine 4022 with valine.
Molecular consequence: missense variant.
Genome position (GRCh38, 1-based): chr16:2,090,747, G>A on the plus strand (C>T on the coding strand, the complement: PKD1 is on the minus strand). VCF-style: chr16-2090747-G-A. GRCh37 (hg19) VCF-style: chr16-2140748-G-A.
Other names: c.12062C>T, p.Ala4021Val (NM_000296.4); short protein forms A4022V, A4021V.
Identifiers: ClinVar variation 3889270 (VCV003889270.2).